The following is an entry in ClinVar:

ClinVar aggregate classification (germline): Uncertain significance (1 of 4 stars; one submission).

gnomAD v4.1: 1 of 1,545,012 alleles (0.000065%); highest among the groups gnomAD compares: South Asian, 0.0012%; no homozygotes.

Submission:

Labcorp Genetics (formerly Invitae), Labcorp
Classification: Uncertain significance. Last evaluated: 2024-02-10. Review status: criteria provided, single submitter. Criteria: Invitae Variant Classification Sherloc (09022015). Collection method: clinical testing. Allele origin: germline.
Comment: This sequence change replaces proline, which is neutral and non-polar, with serine, which is neutral and polar, at codon 703 of the BCL11B protein (p.Pro703Ser). The frequency data for this variant in the population databases is considered unreliable, as metrics indicate poor data quality at this position in the gnomAD database. This variant has not been reported in the literature in individuals affected with BCL11B-related conditions. Advanced modeling of protein sequence and biophysical properties (such as structural, functional, and spatial information, amino acid conservation, physicochemical variation, residue mobility, and thermodynamic stability) performed at Invitae indicates that this missense variant is not expected to disrupt BCL11B protein function with a negative predictive value of 80%. In summary, the available evidence is currently insufficient to determine the role of this variant in disease. Therefore, it has been classified as a Variant of Uncertain Significance.

NM_138576.4(BCL11B):c.2107C>T (p.Pro703Ser)

Gene: BCL11B (BCL11 transcription factor B; minus strand). Cytogenetic location: 14q32.2.
Variant type: single nucleotide variant.
Coding change: c.2107C>T on transcript NM_138576.4 (MANE Select); coding-DNA position 2107, C replaced by T.
Protein change: p.Pro703Ser; replaces proline 703 with serine.
Molecular consequence: missense variant.
Genome position (GRCh38, 1-based): chr14:99,174,729, G>A on the plus strand (C>T on the coding strand, the complement: BCL11B is on the minus strand). VCF-style: chr14-99174729-G-A. GRCh37 (hg19) VCF-style: chr14-99641066-G-A.
Other names: c.2104C>T, p.Pro702Ser (NM_001282237.2); c.1891C>T, p.Pro631Ser (NM_001282238.2); c.1894C>T, p.Pro632Ser (NM_022898.3); short protein forms P703S, P631S, P632S, P702S.
Identifiers: ClinVar variation 3632986 (VCV003632986.2).